The following is an entry in ClinVar:

ClinVar aggregate classification (germline): Likely benign. Review status: criteria provided, multiple submitters, no conflicts (2 of 4 stars). 2 submissions from 2 submitters: Likely benign (2). Last evaluated 2024-12-08.

Conditions:
KBG syndrome (KBGS). Also called: ANKRD11-Related KBG Syndrome. Identifiers: Orphanet 2332, MedGen C0220687, MONDO:0007846, OMIM 148050.

Allele frequency attached by ClinVar (database versions not stated): ExAC 0.00002; TOPMed 0.00002.
gnomAD v4.1: 30 of 1,610,564 alleles (0.0019%); highest among the groups gnomAD compares: Middle Eastern, 0.016%; no homozygotes.

Submissions (2):

Labcorp Genetics (formerly Invitae), Labcorp
Classification: Likely benign for KBG syndrome. Last evaluated: 2024-12-08. Review status: criteria provided, single submitter. Criteria: Invitae Variant Classification Sherloc (09022015). Collection method: clinical testing. Allele origin: germline.

CeGaT Center for Human Genetics Tuebingen
Classification: Likely benign. Last evaluated: 2023-04-01. Review status: criteria provided, single submitter. Criteria: CeGaT Center For Human Genetics Tuebingen Variant Classification Criteria Version 2. Collection method: clinical testing. Allele origin: germline. Affected: yes. Observed: 1 variant allele.
Comment: ANKRD11: BP4, BP7

NM_013275.6(ANKRD11):c.2904C>T (p.Pro968=)

Gene: ANKRD11 (ankyrin repeat domain 11; minus strand). Cytogenetic location: 16q24.3.
Variant type: single nucleotide variant.
Coding change: c.2904C>T on transcript NM_013275.6 (MANE Select); coding-DNA position 2904, C replaced by T.
Protein change: p.Pro968=; no amino-acid change (proline 968 retained).
Molecular consequence: synonymous variant.
Genome position (GRCh38, 1-based): chr16:89,283,638, G>A on the plus strand (C>T on the coding strand, the complement: ANKRD11 is on the minus strand). VCF-style: chr16-89283638-G-A. GRCh37 (hg19) VCF-style: chr16-89350046-G-A.
Other names: c.2904C>T, p.Pro968= (NM_001256182.2, NM_001256183.2).
Identifiers: ClinVar variation 2056413 (VCV002056413.28), dbSNP rs772132834, ClinGen allele CA8242479.
Genomic context (GRCh38, chr16:89,283,638, plus strand): 5'-CTTGTCCTTGAAGCCACTCTCGCAGCCACACTCCTTCAGCTCCTCCCGGTGCGCCTCCTC[G>A]GGCTTGGCCCTGCCGTCCCTGCGCTCCTTGCAGCTCTCCAGGGCGTCCTTTCTGTCCCGC-3'
Protein context (NP_037407.4, residues 958-978): CKERRDGRAK[Pro968=]EEAHREELKE